The following is an entry in ClinVar:

NM_001166108.2(PALLD):c.1571G>T (p.Arg524Ile)

Gene: PALLD (palladin, cytoskeletal associated protein; plus strand). Cytogenetic location: 4q32.3.
Variant type: single nucleotide variant.
Coding change: c.1571G>T on transcript NM_001166108.2 (MANE Select); coding-DNA position 1571, G replaced by T.
Protein change: p.Arg524Ile; replaces arginine 524 with isoleucine.
Molecular consequence: missense variant.
Genome position (GRCh38, 1-based): chr4:168,709,097, G>T. VCF-style: chr4-168709097-G-T. GRCh37 (hg19) VCF-style: chr4-169630248-G-T.
Other names: c.425G>T, p.Arg142Ile (NM_001166109.2); c.1571G>T, p.Arg524Ile (NM_016081.4); short protein forms R524I, R142I.
Identifiers: ClinVar variation 900423 (VCV000900423.7), dbSNP rs776908136, ClinGen allele CA3135678.

ClinVar aggregate classification (germline): Uncertain significance. Review status: criteria provided, multiple submitters, no conflicts (2 of 4 stars). 2 submissions from 2 submitters: Uncertain significance (2). Last evaluated 2024-09-22.

Conditions:
Pancreatic cancer, susceptibility to, 1. Identifiers: Orphanet 1333, MedGen C1847351, MONDO:0011739, OMIM 606856.

Allele frequency attached by ClinVar (database versions not stated): gnomAD below 0.00001 and 0.00001; TOPMed below 0.00001; ExAC 0.00001; gnomAD exomes 0.00001 and 0.00002.
gnomAD v4.1: 21 of 1,613,768 alleles (0.0013%); highest among the groups gnomAD compares: South Asian, 0.022%; no homozygotes.

Submissions (2):

Ambry Genetics
Classification: Uncertain significance. Last evaluated: 2024-09-22. Review status: criteria provided, single submitter. Criteria: Ambry Variant Classification Scheme 2023. Collection method: clinical testing. Allele origin: germline.
Comment: The p.R524I variant (also known as c.1571G>T), located in coding exon 8 of the PALLD gene, results from a G to T substitution at nucleotide position 1571. The arginine at codon 524 is replaced by isoleucine, an amino acid with similar properties. This amino acid position is conserved. In addition, this alteration is predicted to be tolerated by in silico analysis. Since supporting evidence is limited at this time, the clinical significance of this alteration remains unclear.

Illumina Laboratory Services, Illumina
Classification: Uncertain significance for Pancreatic cancer, susceptibility to, 1. Last evaluated: 2017-04-28. Review status: criteria provided, single submitter. Criteria: ICSL Variant Classification Criteria 13 December 2019. Collection method: clinical testing. Allele origin: germline.